The following is an entry in ClinVar:

ClinVar aggregate classification (germline): Pathogenic (1 of 4 stars; one submission).

Conditions:
Hereditary cancer-predisposing syndrome. Also called: Neoplastic Syndromes, Hereditary; Hereditary Cancer Syndrome; Tumor predisposition; Hereditary neoplastic syndrome. Identifiers: Orphanet 140162, MedGen C0027672, MeSH D009386, MONDO:0015356.

Submission:

Ambry Genetics
Classification: Pathogenic for Hereditary cancer-predisposing syndrome. Last evaluated: 2023-03-13. Review status: criteria provided, single submitter. Criteria: Ambry Variant Classification Scheme 2023. Collection method: clinical testing. Allele origin: germline.
Comment: The c.147_159del13 pathogenic mutation, located in coding exon 1 of the TMEM127 gene, results from a deletion of 13 nucleotides at nucleotide positions 147 to 159, causing a translational frameshift with a predicted alternate stop codon (p.E50Cfs*27). This variant is considered to be rare based on population cohorts in the Genome Aggregation Database (gnomAD). This alteration is expected to result in loss of function by premature protein truncation or nonsense-mediated mRNA decay. As such, this alteration is interpreted as a disease-causing mutation.

NM_017849.4(TMEM127):c.147_159del (p.Glu50fs)

Gene: TMEM127 (transmembrane protein 127; minus strand). Cytogenetic location: 2q11.2.
Variant type: Deletion.
Coding change: c.147_159del on transcript NM_017849.4 (MANE Select); coding-DNA positions 147 to 159, 13 bases deleted (CGAGCCCGCCTGG).
Protein change: p.Glu50fs; shifts the reading frame from glutamic acid 50.
Molecular consequence: frameshift variant. On other transcripts: intron variant (1).
Genome position (GRCh38, 1-based): chr2:96,265,223-96,265,235, CCAGGCGGGCTCG deleted on the plus strand (CGAGCCCGCCTGG on the coding strand, the reverse complement: TMEM127 is on the minus strand). VCF-style (leftmost placement, unchanged base first): chr2-96265222-ACCAGGCGGGCTCG-A. GRCh37 (hg19) VCF-style: chr2-96930960-ACCAGGCGGGCTCG-A.
Other names: c.147_159del, p.Glu50fs (NM_001193304.3); c.-9+634_-9+646del (NM_001407283.1); c.147_159del13 (NM_017849.3); short protein forms E50fs.
Identifiers: ClinVar variation 2448387 (VCV002448387.2), dbSNP rs2467285427, ClinGen allele CA2580068310.